The following is an entry in ClinVar:

ClinVar aggregate classification (germline): Pathogenic. Review status: criteria provided, multiple submitters, no conflicts (2 of 4 stars). 2 submissions from 2 submitters: Pathogenic (2). Last evaluated 2025-07-01.

Conditions:
TG-related disorder. Also called: TG-related condition; TG-related disorders.

Allele frequency attached by ClinVar (database versions not stated): gnomAD 0.00001; gnomAD exomes 0.00001; TOPMed 0.00001; ExAC 0.00004.
gnomAD v4.1: 18 of 1,614,028 alleles (0.0011%); highest among the groups gnomAD compares: Admixed American, 0.0067%; no homozygotes.

Submissions (2):

PreventionGenetics, part of Exact Sciences
Classification: Pathogenic for TG-related condition. Last evaluated: 2025-07-01. Review status: criteria provided, single submitter. Criteria: ACMG Guidelines, 2015. Collection method: clinical testing. Allele origin: germline.
Comment: The TG c.3241C>T variant is predicted to result in premature protein termination (p.Arg1081*). This variant was reported along with a second TG variant in at least two individuals with congenital hypothyroidism (Supplemental Table 5, Levaillant et al. 2023. PubMed ID: 36884306). This variant is reported in 0.0085% of alleles in individuals of Latino descent in gnomAD. Nonsense variants in TG are expected to be pathogenic. This variant is interpreted as pathogenic.

Labcorp Genetics (formerly Invitae), Labcorp
Classification: Pathogenic. Last evaluated: 2023-09-19. Review status: criteria provided, single submitter. Criteria: Invitae Variant Classification Sherloc (09022015). Collection method: clinical testing. Allele origin: germline.
Comment: This sequence change creates a premature translational stop signal (p.Arg1081*) in the TG gene. It is expected to result in an absent or disrupted protein product. Loss-of-function variants in TG are known to be pathogenic (PMID: 19837936, 23164529). This variant is present in population databases (rs745902921, gnomAD 0.009%). This variant has not been reported in the literature in individuals affected with TG-related conditions. For these reasons, this variant has been classified as Pathogenic.

Literature cited by the submitters: PubMed 19837936 (cited by Labcorp Genetics (formerly Invitae), Labcorp); PubMed 23164529 (cited by Labcorp Genetics (formerly Invitae), Labcorp).

NM_003235.5(TG):c.3241C>T (p.Arg1081Ter)

Gene: TG (thyroglobulin; plus strand). Cytogenetic location: 8q24.22.
Variant type: single nucleotide variant.
Coding change: c.3241C>T on transcript NM_003235.5 (MANE Select); coding-DNA position 3241, C replaced by T.
Protein change: p.Arg1081Ter; replaces arginine 1081 with a stop codon.
Molecular consequence: nonsense.
Genome position (GRCh38, 1-based): chr8:132,898,821, C>T. VCF-style: chr8-132898821-C-T. GRCh37 (hg19) VCF-style: chr8-133911066-C-T.
Other names: c.3241C>T (NM_003235.4); short protein forms R1081*.
Identifiers: ClinVar variation 2792477 (VCV002792477.4), dbSNP rs745902921, ClinGen allele CA4883691.